The following is an entry in ClinVar:

ClinVar aggregate classification (germline): Uncertain significance (1 of 4 stars; one submission).

Submission:

GeneDx
Classification: Uncertain significance. Last evaluated: 2026-01-30. Review status: criteria provided, single submitter. Criteria: GeneDx Variant Classification Process June 2021. Collection method: clinical testing. Allele origin: germline.
Comment: Not observed at significant frequency in large population cohorts (gnomAD); In silico analysis suggests that this missense variant does not alter protein structure/function; Has not been previously published as pathogenic or benign to our knowledge

NM_001256012.3(MYH10):c.1733A>G (p.Gln578Arg)

Gene: MYH10 (myosin heavy chain 10; minus strand). Cytogenetic location: 17p13.1.
Variant type: single nucleotide variant.
Coding change: c.1733A>G on transcript NM_001256012.3 (MANE Select); coding-DNA position 1733, A replaced by G.
Protein change: p.Gln578Arg; replaces glutamine 578 with arginine.
Molecular consequence: missense variant.
Genome position (GRCh38, 1-based): chr17:8,535,804, T>C on the plus strand (A>G on the coding strand, the complement: MYH10 is on the minus strand). VCF-style: chr17-8535804-T-C. GRCh37 (hg19) VCF-style: chr17-8439122-T-C.
Other names: c.1733A>G, p.Gln578Arg (NM_001375266.1); c.1703A>G, p.Gln568Arg (NM_005964.5); c.1730A>G, p.Gln577Arg (NM_001256095.2); short protein forms Q568R, Q577R, Q578R.
Identifiers: ClinVar variation 4975715 (VCV004975715.1).